The following is an entry in ClinVar:

NM_145117.5(NAV2):c.5379G>A (p.Ala1793=)

Gene: NAV2 (neuron navigator 2; plus strand). Cytogenetic location: 11p15.1.
Variant type: single nucleotide variant.
Coding change: c.5379G>A on transcript NM_145117.5 (MANE Select); coding-DNA position 5379, G replaced by A.
Protein change: p.Ala1793=; no amino-acid change (alanine 1793 retained).
Molecular consequence: synonymous variant.
Genome position (GRCh38, 1-based): chr11:20,083,060, G>A. VCF-style: chr11-20083060-G-A. GRCh37 (hg19) VCF-style: chr11-20104606-G-A.
Other names: c.5187G>A, p.Ala1729= (NM_001111018.2); c.2571G>A, p.Ala857= (NM_001111019.3); c.5556G>A, p.Ala1852= (NM_001244963.2); c.5388G>A, p.Ala1796= (NM_182964.6); c.5556G>A (NM_001244963.1).
Identifiers: ClinVar variation 774622 (VCV000774622.6), dbSNP rs73429387, ClinGen allele CA5919074.
Genomic context (GRCh38, chr11:20,083,060, plus strand): 5'-TATTCAGTTACGCAGCTCCTTCAAGCAAGCTTTCGGGAAGAAGAAGTCCCCAAAATCTGC[G>A]TCCTCTCATTCAGATATTGAGGAGATGACGGATTCTTCTTTGCCTTCCTCACCAAAGTTA-3'
Protein context (NP_660093.2, residues 1783-1803): AFGKKKSPKS[Ala1793=]SSHSDIEEMT

ClinVar aggregate classification (germline): Benign. Review status: criteria provided, multiple submitters, no conflicts (2 of 4 stars). 3 submissions from 3 submitters: Benign (2). 1 of the submissions does not count toward it. Last evaluated 2017-07-31.

Conditions:
NAV2-related disorder. Also called: NAV2-related condition.

Allele frequency attached by ClinVar (database versions not stated): gnomAD exomes 0.00167; ExAC 0.00188; gnomAD 0.00624 and 0.00680; ESP Exome Variant Server 0.00715; 1000 Genomes Project 30x 0.00734; 1000 Genomes Project 0.00739; TOPMed 0.00742.
gnomAD v4.1: 1,838 of 1,614,098 alleles (0.11%); highest among the groups gnomAD compares: African/African-American, 2.1%; 18 homozygotes.

Submissions (3):

Labcorp Genetics (formerly Invitae), Labcorp
Classification: Benign. Last evaluated: 2017-07-31. Review status: criteria provided, single submitter. Criteria: Invitae Variant Classification Sherloc (09022015). Collection method: clinical testing. Allele origin: germline.

Breakthrough Genomics
Classification: Benign. Review status: criteria provided, single submitter. Criteria: ACMG Guidelines, 2015. Collection method: not provided. Allele origin: germline. Inheritance: Unknown mechanism. Affected: yes.

PreventionGenetics, part of Exact Sciences
Classification: Benign for NAV2-related condition. Last evaluated: 2020-02-18. Review status: no assertion criteria provided. Collection method: clinical testing. Allele origin: germline. Not counted in ClinVar's aggregate classification.
Comment: This variant is classified as benign based on ACMG/AMP sequence variant interpretation guidelines (Richards et al. 2015 PMID: 25741868, with internal and published modifications).